The following is an entry in ClinVar:

NM_000038.6(APC):c.529A>T (p.Asn177Tyr)

Gene: APC (APC regulator of Wnt signaling pathway; plus strand). Cytogenetic location: 5q22.2.
Variant type: single nucleotide variant.
Coding change: c.529A>T on transcript NM_000038.6 (MANE Select); coding-DNA position 529, A replaced by T.
Protein change: p.Asn177Tyr; replaces asparagine 177 with tyrosine.
Molecular consequence: missense variant. On other transcripts: 5 prime UTR variant (1).
Genome position (GRCh38, 1-based): chr5:112,775,735, A>T. VCF-style: chr5-112775735-A-T. GRCh37 (hg19) VCF-style: chr5-112111432-A-T.
Other names: c.529A>T, p.Asn177Tyr (NM_001127510.3, NM_001354895.2, NM_001354896.2 and 16 more transcripts); c.559A>T, p.Asn187Tyr (NM_001127511.3, NM_001354897.2, NM_001354902.2 and 1 more transcripts); c.454A>T, p.Asn152Tyr (NM_001354898.2, NM_001354904.2, NM_001407451.1); c.352A>T, p.Asn118Tyr (NM_001354900.2, NM_001354901.2, NM_001354905.2 and 1 more transcripts); c.-507A>T (NM_001354906.2, NM_001407470.1, NM_001407471.1 and 1 more transcripts); short protein forms N152Y, N118Y, N187Y, N177Y.
Identifiers: ClinVar variation 2004722 (VCV002004722.4), dbSNP rs2149616291, ClinGen allele CA16022485.

ClinVar aggregate classification (germline): Uncertain significance (1 of 4 stars; one submission).

Conditions:
Familial adenomatous polyposis 1 (FAP1). Also called: POLYPOSIS, ADENOMATOUS INTESTINAL; FAMILIAL ADENOMATOUS POLYPOSIS 1, ATTENUATED. Identifiers: MedGen C2713442, MONDO:0021056, OMIM 175100. Disease mechanism: loss of function.

Submission:

Labcorp Genetics (formerly Invitae), Labcorp
Classification: Uncertain significance for Familial adenomatous polyposis 1. Last evaluated: 2022-06-11. Review status: criteria provided, single submitter. Criteria: Invitae Variant Classification Sherloc (09022015). Collection method: clinical testing. Allele origin: germline.
Comment: In summary, the available evidence is currently insufficient to determine the role of this variant in disease. Therefore, it has been classified as a Variant of Uncertain Significance. Algorithms developed to predict the effect of missense changes on protein structure and function are either unavailable or do not agree on the potential impact of this missense change (SIFT: "Deleterious"; PolyPhen-2: "Probably Damaging"; Align-GVGD: "Class C15"). This variant has not been reported in the literature in individuals affected with APC-related conditions. This variant is not present in population databases (gnomAD no frequency). This sequence change replaces asparagine, which is neutral and polar, with tyrosine, which is neutral and polar, at codon 177 of the APC protein (p.Asn177Tyr).